The following is an entry in ClinVar:

ClinVar aggregate classification (germline): Uncertain significance (1 of 4 stars; one submission).

gnomAD v4.1: 1 of 1,613,992 alleles (0.000062%); highest among the groups gnomAD compares: East Asian, 0.0022%; no homozygotes.

Submission:

Labcorp Genetics (formerly Invitae), Labcorp
Classification: Uncertain significance. Last evaluated: 2024-03-13. Review status: criteria provided, single submitter. Criteria: Invitae Variant Classification Sherloc (09022015). Collection method: clinical testing. Allele origin: germline.
Comment: This sequence change replaces glycine, which is neutral and non-polar, with tryptophan, which is neutral and slightly polar, at codon 1451 of the NYNRIN protein (p.Gly1451Trp). This variant is not present in population databases (gnomAD no frequency). This variant has not been reported in the literature in individuals affected with NYNRIN-related conditions. Experimental studies and prediction algorithms are not available or were not evaluated, and the functional significance of this variant is currently unknown. In summary, the available evidence is currently insufficient to determine the role of this variant in disease. Therefore, it has been classified as a Variant of Uncertain Significance.

NM_025081.3(NYNRIN):c.4351G>T (p.Gly1451Trp)

Gene: NYNRIN (NYN domain and retroviral integrase containing; plus strand). Cytogenetic location: 14q12.
Variant type: single nucleotide variant.
Coding change: c.4351G>T on transcript NM_025081.3 (MANE Select); coding-DNA position 4351, G replaced by T.
Protein change: p.Gly1451Trp; replaces glycine 1451 with tryptophan.
Molecular consequence: missense variant.
Genome position (GRCh38, 1-based): chr14:24,416,100, G>T. VCF-style: chr14-24416100-G-T. GRCh37 (hg19) VCF-style: chr14-24885306-G-T.
Other names: short protein forms G1451W.
Identifiers: ClinVar variation 3645726 (VCV003645726.2).
Genomic context (GRCh38, chr14:24,416,100, plus strand): 5'-TCCTACCGGGGCTCTCTGTTTGCTGTGACAGTGGACACCCTGGCCAAGCAGGGTGCCCAG[G>T]GGGGTGGGCAGTGGTGGAGTTTGCCAAAGGATGTGCCAGCCCCTACAGTGAGTCCCCATG-3'
Protein context (NP_079357.2, residues 1441-1461): VDTLAKQGAQ[Gly1451Trp]GGQWWSLPKD